The following is an entry in ClinVar:

ClinVar aggregate classification (germline): Uncertain significance (1 of 4 stars; one submission).

Conditions:
Pitt-Hopkins-like syndrome 2 (PTHSL2). Identifiers: Orphanet 221150, Orphanet 600663, MedGen C3280479, MONDO:0013690, OMIM 614325.

Submission:

Labcorp Genetics (formerly Invitae), Labcorp
Classification: Uncertain significance for Pitt-Hopkins-like syndrome 2. Last evaluated: 2025-04-17. Review status: criteria provided, single submitter. Criteria: Invitae Variant Classification Sherloc (09022015). Collection method: clinical testing. Allele origin: germline.
Comment: This sequence change replaces asparagine, which is neutral and polar, with lysine, which is basic and polar, at codon 332 of the NRXN1 protein (p.Asn332Lys). This variant is not present in population databases (gnomAD no frequency). This variant has not been reported in the literature in individuals affected with NRXN1-related conditions. An algorithm developed to predict the effect of missense changes on protein structure and function (PolyPhen-2) suggests that this variant is likely to be tolerated. In summary, the available evidence is currently insufficient to determine the role of this variant in disease. Therefore, it has been classified as a Variant of Uncertain Significance.

NM_001330078.2(NRXN1):c.897C>A (p.Asn299Lys)

Gene: NRXN1 (neurexin 1; minus strand). Cytogenetic location: 2p16.3.
Variant type: single nucleotide variant.
Coding change: c.897C>A on transcript NM_001330078.2 (MANE Select); coding-DNA position 897, C replaced by A.
Protein change: p.Asn299Lys; replaces asparagine 299 with lysine.
Molecular consequence: missense variant.
Genome position (GRCh38, 1-based): chr2:50,623,551, G>T on the plus strand (C>A on the coding strand, the complement: NRXN1 is on the minus strand). VCF-style: chr2-50623551-G-T. GRCh37 (hg19) VCF-style: chr2-50850689-G-T.
Other names: c.894C>A, p.Asn298Lys (NM_001330093.2); c.885C>A, p.Asn295Lys (NM_001330094.2); c.897C>A, p.Asn299Lys (NM_001330095.2, NM_004801.6, NM_001330085.2 and 3 more transcripts); c.837C>A, p.Asn279Lys (NM_001330096.2, NM_001330087.2, NM_001330083.2 and 1 more transcripts); c.867C>A, p.Asn289Lys (NM_001330088.2); c.996C>A, p.Asn332Lys (NM_001135659.3); short protein forms N298K, N289K, N332K, N279K, N299K, N295K.
Identifiers: ClinVar variation 4765954 (VCV004765954.1).